The following is an entry in ClinVar:

NM_019096.5(GTPBP2):c.589dup (p.Leu197fs)

Gene: GTPBP2 (GTP binding protein 2; minus strand). Cytogenetic location: 6p21.1.
Variant type: Duplication.
Coding change: c.589dup on transcript NM_019096.5 (MANE Select); coding-DNA position 589, one base duplicated (C; older notation c.589dupC).
Protein change: p.Leu197fs; shifts the reading frame from leucine 197.
Molecular consequence: frameshift variant.
Genome position (GRCh38, 1-based): chr6:43,625,479, G duplicated on the plus strand (C on the coding strand, the reverse complement: GTPBP2 is on the minus strand). VCF-style (leftmost placement, unchanged base first): chr6-43625478-A-AG. GRCh37 (hg19) VCF-style: chr6-43593215-A-AG.
Other names: c.325dup, p.Leu109fs (NM_001286216.2); short protein forms L109fs, L197fs.
Identifiers: ClinVar variation 1994630 (VCV001994630.4), dbSNP rs2532597676, ClinGen allele CA2580074674.

ClinVar aggregate classification (germline): Pathogenic (1 of 4 stars; one submission).

Submission:

Labcorp Genetics (formerly Invitae), Labcorp
Classification: Pathogenic. Last evaluated: 2022-05-15. Review status: criteria provided, single submitter. Criteria: Invitae Variant Classification Sherloc (09022015). Collection method: clinical testing. Allele origin: germline.
Comment: This sequence change creates a premature translational stop signal (p.Leu197Profs*18) in the GTPBP2 gene. It is expected to result in an absent or disrupted protein product. Loss-of-function variants in GTPBP2 are known to be pathogenic (PMID: 26675814, 29449720). This variant is not present in population databases (gnomAD no frequency). This variant has not been reported in the literature in individuals affected with GTPBP2-related conditions. For these reasons, this variant has been classified as Pathogenic.

Literature cited by the submitters: PubMed 26675814; PubMed 29449720.